The following is an entry in ClinVar:

NM_006265.3(RAD21):c.1352T>G (p.Leu451Arg)

Gene: RAD21 (RAD21 cohesin complex component; minus strand). Cytogenetic location: 8q24.11.
Variant type: single nucleotide variant.
Coding change: c.1352T>G on transcript NM_006265.3 (MANE Select); coding-DNA position 1352, T replaced by G.
Protein change: p.Leu451Arg; replaces leucine 451 with arginine.
Molecular consequence: missense variant.
Genome position (GRCh38, 1-based): chr8:116,852,066, A>C on the plus strand (T>G on the coding strand, the complement: RAD21 is on the minus strand). VCF-style: chr8-116852066-A-C. GRCh37 (hg19) VCF-style: chr8-117864305-A-C.
Other names: short protein forms L451R.
Identifiers: ClinVar variation 372619 (VCV000372619.17), dbSNP rs144953114, ClinGen allele CA4852837.

ClinVar aggregate classification (germline): Conflicting classifications of pathogenicity. Review status: criteria provided, conflicting classifications (1 of 4 stars). 5 submissions from 5 submitters: Uncertain significance (1); Likely benign (4). Last evaluated 2026-01-27.

Conditions:
Mungan syndrome (MGS). Identifiers: MedGen C1969653, MONDO:0012657, OMIM 611376.
Cornelia de Lange syndrome 4 (CDLS4). Also called: CORNELIA DE LANGE SYNDROME 4 WITH OR WITHOUT MIDLINE BRAIN DEFECTS; RAD21-Related Cornelia de Lange Syndrome. Identifiers: Orphanet 199, MedGen C3553517, MONDO:0013864, OMIM 614701.
Inborn genetic diseases. Identifiers: MedGen C0950123, MeSH D030342.
RAD21-related disorder. Also called: RAD21- Related disorders; RAD21-related condition.

Allele frequency attached by ClinVar (database versions not stated): 1000 Genomes Project 0.00020; ExAC 0.00020; gnomAD exomes 0.00028 and 0.00053; 1000 Genomes Project 30x 0.00031; TOPMed 0.00031; gnomAD 0.00034; ESP Exome Variant Server 0.00054.
gnomAD v4.1: 816 of 1,610,622 alleles (0.051%); highest among the groups gnomAD compares: Non-Finnish European, 0.065%; no homozygotes.

Submissions (5):

Labcorp Genetics (formerly Invitae), Labcorp
Classification: Likely benign for Cornelia de Lange syndrome 4. Last evaluated: 2026-01-27. Review status: criteria provided, single submitter. Criteria: Invitae Variant Classification Sherloc (09022015). Collection method: clinical testing. Allele origin: germline.

PreventionGenetics, part of Exact Sciences
Classification: Likely benign for RAD21-related condition. Last evaluated: 2025-03-30. Review status: criteria provided, single submitter. Criteria: ACMG Guidelines, 2015. Collection method: clinical testing. Allele origin: germline.
Comment: This variant is classified as likely benign based on ACMG/AMP sequence variant interpretation guidelines (Richards et al. 2015 PMID: 25741868, with internal and published modifications).

Ambry Genetics
Classification: Likely benign for Inborn genetic diseases. Last evaluated: 2021-11-08. Review status: criteria provided, single submitter. Criteria: Ambry Variant Classification Scheme 2023. Collection method: clinical testing. Allele origin: germline.

GeneDx
Classification: Likely benign. Last evaluated: 2019-06-20. Review status: criteria provided, single submitter. Criteria: GeneDx Variant Classification Process June 2021. Collection method: clinical testing. Allele origin: germline. Affected: yes.

Fulgent Genetics
Classification: Uncertain significance for Mungan syndrome; Cornelia de Lange syndrome 4. Last evaluated: 2018-10-31. Review status: criteria provided, single submitter. Criteria: ACMG Guidelines, 2015. Collection method: clinical testing. Allele origin: unknown.